The following is an entry in ClinVar:

NM_014874.4(MFN2):c.974G>A (p.Gly325Asp)

Gene: MFN2 (mitofusin 2; plus strand). Cytogenetic location: 1p36.22.
Variant type: single nucleotide variant.
Coding change: c.974G>A on transcript NM_014874.4 (MANE Select); coding-DNA position 974, G replaced by A.
Protein change: p.Gly325Asp; replaces glycine 325 with aspartic acid.
Molecular consequence: missense variant.
Genome position (GRCh38, 1-based): chr1:12,001,772, G>A. VCF-style: chr1-12001772-G-A. GRCh37 (hg19) VCF-style: chr1-12061829-G-A.
Other names: c.974G>A, p.Gly325Asp (NM_001127660.2); short protein forms G325D.
Identifiers: ClinVar variation 1801090 (VCV001801090.1), dbSNP rs1386579410, ClinGen allele CA338442128.

ClinVar aggregate classification (germline): Uncertain significance (1 of 4 stars; one submission).

Submission:

GeneDx
Classification: Uncertain significance. Last evaluated: 2022-05-27. Review status: criteria provided, single submitter. Criteria: GeneDx Variant Classification Process June 2021. Collection method: clinical testing. Allele origin: germline. Affected: yes.
Comment: Not observed at significant frequency in large population cohorts (gnomAD); In silico analysis supports that this missense variant has a deleterious effect on protein structure/function; Has not been previously published as pathogenic or benign to our knowledge